The following is an entry in ClinVar:

NM_004370.6(COL12A1):c.5839C>A (p.Pro1947Thr)

Gene: COL12A1 (collagen type XII alpha 1 chain; minus strand). Cytogenetic location: 6q13.
Variant type: single nucleotide variant.
Coding change: c.5839C>A on transcript NM_004370.6 (MANE Select); coding-DNA position 5839, C replaced by A.
Protein change: p.Pro1947Thr; replaces proline 1947 with threonine.
Molecular consequence: missense variant.
Genome position (GRCh38, 1-based): chr6:75,132,038, G>T on the plus strand (C>A on the coding strand, the complement: COL12A1 is on the minus strand). VCF-style: chr6-75132038-G-T. GRCh37 (hg19) VCF-style: chr6-75841754-G-T.
Other names: p.Pro1947Thr; c.2347C>A, p.Pro783Thr (NM_080645.3); short protein forms P1947T, P783T.
Identifiers: ClinVar variation 475878 (VCV000475878.24), dbSNP rs191233787, ClinGen allele CA3892989.

ClinVar aggregate classification (germline): Conflicting classifications of pathogenicity. Review status: criteria provided, conflicting classifications (1 of 4 stars). 7 submissions from 7 submitters: Uncertain significance (3); Likely benign (4). Last evaluated 2026-06-15.

Conditions:
Ullrich congenital muscular dystrophy 2 (UCMD2). Identifiers: Orphanet 75840, MedGen C4225314, MONDO:0014654, OMIM 616470.
Bethlem myopathy 2 (BTHLM2). Identifiers: Orphanet 536516, Orphanet 610, MedGen C4225313, MONDO:0034022, OMIM 616471.

Allele frequency attached by ClinVar (database versions not stated): gnomAD 0.00023 and 0.00021; ESP Exome Variant Server 0.00024; 1000 Genomes Project 30x 0.00031; TOPMed 0.00031; 1000 Genomes Project 0.00040.
gnomAD v4.1: 312 of 1,614,188 alleles (0.019%); highest among the groups gnomAD compares: Middle Eastern, 0.3%; 1 homozygote.

Submissions (7):

Women's Health and Genetics/Laboratory Corporation of America, LabCorp
Classification: Likely benign. Last evaluated: 2026-06-15. Review status: criteria provided, single submitter. Criteria: LabCorp Variant Classification Summary - May 2015. Collection method: clinical testing. Allele origin: germline.
Comment: Variant summary: COL12A1 c.5839C>A (p.Pro1947Thr) results in a non-conservative amino acid change located in the Fibronectin type III repeat domain (IPR003961) of the encoded protein sequence. Algorithms developed to predict the effect of missense changes on protein structure and function are either unavailable or do not agree on the potential impact of this missense change. The variant allele was found at a frequency of 0.00019 in 1614188 control chromosomes in the gnomAD database (v4.1 dataset), including 1 homozygotes. This frequency is not significantly higher than estimated for disease-causing variants in COL12A1, allowing no conclusion about variant significance. In addition, this variant has also been found in 10 heterozygous individuals in the Geno2MP database and none of them has COL12A1 related phenotypes. To our knowledge, no occurrence of c.5839C>A in individuals affected with COL12A1-related conditions and no experimental evidence demonstrating its impact on protein function have been reported in the literature. ClinVar contains an entry for this variant (Variation ID: 475878). Based on the evidence outlined above, the variant was classified as likely benign.

Labcorp Genetics (formerly Invitae), Labcorp
Classification: Likely benign for Bethlem myopathy 2; Ullrich congenital muscular dystrophy 2. Last evaluated: 2026-01-30. Review status: criteria provided, single submitter. Criteria: Invitae Variant Classification Sherloc (09022015). Collection method: clinical testing. Allele origin: germline.

Mayo Clinic Laboratories, Mayo Clinic
Classification: Likely benign. Last evaluated: 2025-10-24. Review status: criteria provided, single submitter. Criteria: ACMG Guidelines, 2015. Collection method: clinical testing. Allele origin: germline. Observed: 1 variant allele.
Comment: BS1, BP4_moderate

New York Genome Center
Classification: Uncertain significance for Bethlem myopathy 2; Ullrich congenital muscular dystrophy 2. Last evaluated: 2023-06-16. Review status: criteria provided, single submitter. Criteria: NYGC Assertion Criteria 2020. Collection method: clinical testing. Allele origin: germline. Observed: 1 variant allele.

Revvity Omics, Revvity
Classification: Likely benign. Last evaluated: 2023-03-03. Review status: criteria provided, single submitter. Criteria: ACMG Guidelines, 2015. Collection method: clinical testing. Allele origin: germline.

GeneDx
Classification: Uncertain significance. Last evaluated: 2021-11-01. Review status: criteria provided, single submitter. Criteria: GeneDx Variant Classification Process June 2021. Collection method: clinical testing. Allele origin: germline. Affected: yes.
Comment: Has not been previously published as pathogenic or benign to our knowledge; In silico analysis supports that this missense variant does not alter protein structure/function; Reported in ClinVar as a variant of uncertain significance (ClinVar Variant ID# 475878; Landrum et al., 2016)

Fulgent Genetics
Classification: Uncertain significance for Ullrich congenital muscular dystrophy 2; Bethlem myopathy 2. Last evaluated: 2021-08-16. Review status: criteria provided, single submitter. Criteria: ACMG Guidelines, 2015. Collection method: clinical testing. Allele origin: unknown.